The following is an entry in ClinVar:

ClinVar aggregate classification (germline): Uncertain significance (1 of 4 stars; one submission).

Allele frequency attached by ClinVar (database versions not stated): ExAC 0.00009; gnomAD 0.00009.

Submission:

Labcorp Genetics (formerly Invitae), Labcorp
Classification: Uncertain significance. Last evaluated: 2021-09-24. Review status: criteria provided, single submitter. Criteria: Invitae Variant Classification Sherloc (09022015). Collection method: clinical testing. Allele origin: germline.
Comment: This sequence change replaces alanine with serine at codon 498 of the CYP17A1 protein (p.Ala498Ser). The alanine residue is highly conserved and there is a moderate physicochemical difference between alanine and serine. This variant is present in population databases (rs771259164, ExAC 0.02%). This variant has not been reported in the literature in individuals with CYP17A1-related conditions. Algorithms developed to predict the effect of missense changes on protein structure and function output the following: SIFT: "Tolerated"; PolyPhen-2: "Benign"; Align-GVGD: "Class C0". The serine amino acid residue is found in multiple mammalian species, suggesting that this missense change does not adversely affect protein function. These predictions have not been confirmed by published functional studies and their clinical significance is uncertain. In summary, the available evidence is currently insufficient to determine the role of this variant in disease. Therefore, it has been classified as a Variant of Uncertain Significance.

NM_000102.4(CYP17A1):c.1492G>T (p.Ala498Ser)

Gene: CYP17A1 (cytochrome P450 family 17 subfamily A member 1; minus strand). Cytogenetic location: 10q24.32.
Variant type: single nucleotide variant.
Coding change: c.1492G>T on transcript NM_000102.4 (MANE Select); coding-DNA position 1492, G replaced by T.
Protein change: p.Ala498Ser; replaces alanine 498 with serine.
Molecular consequence: missense variant.
Genome position (GRCh38, 1-based): chr10:102,830,737, C>A on the plus strand (G>T on the coding strand, the complement: CYP17A1 is on the minus strand). VCF-style: chr10-102830737-C-A. GRCh37 (hg19) VCF-style: chr10-104590494-C-A.
Other names: short protein forms A498S.
Identifiers: ClinVar variation 2070243 (VCV002070243.1), dbSNP rs771259164, ClinGen allele CA5669309.